The following is an entry in ClinVar:

NM_130811.4(SNAP25):c.552+4A>G

Gene: SNAP25 (synaptosome associated protein 25; plus strand). Cytogenetic location: 20p12.2.
Variant type: single nucleotide variant.
Coding change: c.552+4A>G on transcript NM_130811.4 (MANE Select); 4 bases into the intron after coding-DNA position 552, A replaced by G.
Molecular consequence: intron variant.
Genome position (GRCh38, 1-based): chr20:10,299,416, A>G. VCF-style: chr20-10299416-A-G. GRCh37 (hg19) VCF-style: chr20-10280064-A-G.
Other names: c.552+4A>G (NM_001322902.2, NM_001424416.1, NM_001322907.2 and 9 more transcripts).
Identifiers: ClinVar variation 3667458 (VCV003667458.2).

ClinVar aggregate classification (germline): Uncertain significance (1 of 4 stars; one submission).

Conditions:
Congenital myasthenic syndrome 18. Also called: MYASTHENIC SYNDROME, CONGENITAL, 18, WITH INTELLECTUAL DISABILITY AND ATAXIA. Identifiers: Orphanet 590, MedGen C4225364, MONDO:0014590, OMIM 616330.

gnomAD v4.1: 2 of 1,611,372 alleles (0.00012%); highest among the groups gnomAD compares: Non-Finnish European, 0.00017%; no homozygotes.

Submission:

Labcorp Genetics (formerly Invitae), Labcorp
Classification: Uncertain significance for Congenital myasthenic syndrome 18. Last evaluated: 2024-03-18. Review status: criteria provided, single submitter. Criteria: Invitae Variant Classification Sherloc (09022015). Collection method: clinical testing. Allele origin: germline.
Comment: This sequence change falls in intron 7 of the SNAP25 gene. It does not directly change the encoded amino acid sequence of the SNAP25 protein. It affects a nucleotide within the consensus splice site. This variant is present in population databases (no rsID available, gnomAD 0.0009%). This variant has not been reported in the literature in individuals affected with SNAP25-related conditions. Variants that disrupt the consensus splice site are a relatively common cause of aberrant splicing (PMID: 17576681, 9536098). Algorithms developed to predict the effect of sequence changes on RNA splicing suggest that this variant is not likely to affect RNA splicing. In summary, the available evidence is currently insufficient to determine the role of this variant in disease. Therefore, it has been classified as a Variant of Uncertain Significance.

Literature cited by the submitters: PubMed 17576681; PubMed 9536098.